The following is an entry in ClinVar:

ClinVar aggregate classification (germline): Uncertain significance. Review status: criteria provided, multiple submitters, no conflicts (2 of 4 stars). 3 submissions from 3 submitters: Uncertain significance (3). Last evaluated 2025-09-01.

Conditions:
Hereditary cancer-predisposing syndrome. Also called: Hereditary neoplastic syndrome; Neoplastic Syndromes, Hereditary; Hereditary Cancer Syndrome; Tumor predisposition. Identifiers: Orphanet 140162, MedGen C0027672, MeSH D009386, MONDO:0015356.
Familial adenomatous polyposis 1 (FAP1). Also called: FAMILIAL ADENOMATOUS POLYPOSIS 1, ATTENUATED; POLYPOSIS, ADENOMATOUS INTESTINAL. Identifiers: MedGen C2713442, MONDO:0021056, OMIM 175100. Disease mechanism: loss of function.
Desmoid disease, hereditary (DESMD). Also called: FIBROMATOSIS, FAMILIAL INFILTRATIVE. Identifiers: Orphanet 873, MedGen C1851124, OMIM 135290. Disease mechanism: loss of function.
Colorectal cancer. Also called: Colorectal cancer, somatic; Malignant Colorectal Neoplasm. Identifiers: MedGen C0346629, MONDO:0005575, OMIM 114500.
Gastric adenocarcinoma and proximal polyposis of the stomach (GAPPS). Also called: POLYPOSIS, GASTRIC; Polyposis, gastric, Dos Santos and de Magalhaes 1980; Gastric Adenocarcinoma and Proximal Polyposis of the Stomach (GAPPS). Identifiers: Orphanet 314022, MedGen C4749917, MONDO:0017790, OMIM 619182.
Hepatocellular carcinoma (HCC). Also called: HEPATOMA; LIVER CELL CARCINOMA; Primary carcinoma of liver. Identifiers: Orphanet 88673, MedGen C2239176, MONDO:0007256, OMIM 114550, HP:0001402.
Gastric cancer. Also called: Stomach cancer; Malignant tumor of stomach. Identifiers: MedGen C0024623, MeSH D013274, MONDO:0001056, OMIM 613659, HP:0012126.

Allele frequency attached by ClinVar (database versions not stated): TOPMed below 0.00001; gnomAD 0.00001.
gnomAD v4.1: 4 of 1,614,032 alleles (0.00025%); highest among the groups gnomAD compares: Non-Finnish European, 0.00034%; no homozygotes.

Submissions (3):

Ambry Genetics
Classification: Uncertain significance for Hereditary cancer-predisposing syndrome. Last evaluated: 2025-09-01. Review status: criteria provided, single submitter. Criteria: Ambry Variant Classification Scheme 2023. Collection method: clinical testing. Allele origin: germline.
Comment: The p.H1172L variant (also known as c.3515A>T), located in coding exon 15 of the APC gene, results from an A to T substitution at nucleotide position 3515. The histidine at codon 1172 is replaced by leucine, an amino acid with similar properties. This amino acid position is well conserved in available vertebrate species. In addition, in silico predictors for this gene do not accurately predict pathogenicity. Since supporting evidence is limited at this time, the clinical significance of this alteration remains unclear.

Labcorp Genetics (formerly Invitae), Labcorp
Classification: Uncertain significance for Familial adenomatous polyposis 1. Last evaluated: 2024-01-27. Review status: criteria provided, single submitter. Criteria: Invitae Variant Classification Sherloc (09022015). Collection method: clinical testing. Allele origin: germline.
Comment: This sequence change replaces histidine, which is basic and polar, with leucine, which is neutral and non-polar, at codon 1172 of the APC protein (p.His1172Leu). This variant is not present in population databases (gnomAD no frequency). This variant has not been reported in the literature in individuals affected with APC-related conditions. ClinVar contains an entry for this variant (Variation ID: 946225). Advanced modeling of protein sequence and biophysical properties (such as structural, functional, and spatial information, amino acid conservation, physicochemical variation, residue mobility, and thermodynamic stability) performed at Invitae indicates that this missense variant is not expected to disrupt APC protein function with a negative predictive value of 95%. In summary, the available evidence is currently insufficient to determine the role of this variant in disease. Therefore, it has been classified as a Variant of Uncertain Significance.

Fulgent Genetics
Classification: Uncertain significance for Colorectal cancer; Hepatocellular carcinoma; Desmoid disease, hereditary; Familial adenomatous polyposis 1; Gastric cancer; Gastric adenocarcinoma and proximal polyposis of the stomach. Last evaluated: 2022-05-23. Review status: criteria provided, single submitter. Criteria: ACMG Guidelines, 2015. Collection method: clinical testing. Allele origin: unknown.

NM_000038.6(APC):c.3515A>T (p.His1172Leu)

Gene: APC (APC regulator of Wnt signaling pathway; plus strand). Cytogenetic location: 5q22.2.
Variant type: single nucleotide variant.
Coding change: c.3515A>T on transcript NM_000038.6 (MANE Select); coding-DNA position 3515, A replaced by T.
Protein change: p.His1172Leu; replaces histidine 1172 with leucine.
Molecular consequence: missense variant.
Genome position (GRCh38, 1-based): chr5:112,839,109, A>T. VCF-style: chr5-112839109-A-T. GRCh37 (hg19) VCF-style: chr5-112174806-A-T.
Other names: c.3515A>T, p.His1172Leu (NM_001127510.3, NM_001354895.2); c.3461A>T, p.His1154Leu (NM_001127511.3); c.3569A>T, p.His1190Leu (NM_001354896.2); c.3545A>T, p.His1182Leu (NM_001354897.2); c.3440A>T, p.His1147Leu (NM_001354898.2); c.3431A>T, p.His1144Leu (NM_001354899.2); c.3392A>T, p.His1131Leu (NM_001354900.2); c.3338A>T, p.His1113Leu (NM_001354901.2); and 5 more; short protein forms H1071L, H1113L, H1144L, H1012L, H1172L, H1182L, H1190L, H1046L.
Identifiers: ClinVar variation 946225 (VCV000946225.15), dbSNP rs1024630299, ClinGen allele CA16029054.